The following is an entry in ClinVar:

NM_001231.5(CASQ1):c.1087G>A (p.Asp363Asn)

Gene: CASQ1 (calsequestrin 1; plus strand). Cytogenetic location: 1q23.2.
Variant type: single nucleotide variant.
Coding change: c.1087G>A on transcript NM_001231.5 (MANE Select); coding-DNA position 1087, G replaced by A.
Protein change: p.Asp363Asn; replaces aspartic acid 363 with asparagine.
Molecular consequence: missense variant.
Genome position (GRCh38, 1-based): chr1:160,201,272, G>A. VCF-style: chr1-160201272-G-A. GRCh37 (hg19) VCF-style: chr1-160171062-G-A.
Other names: c.1087G>A (NM_001231.4); short protein forms D363N.
Identifiers: ClinVar variation 1440314 (VCV001440314.8), dbSNP rs775149115, ClinGen allele CA1196470.

ClinVar aggregate classification (germline): Uncertain significance. Review status: criteria provided, multiple submitters, no conflicts (2 of 4 stars). 3 submissions from 3 submitters: Uncertain significance (3). Last evaluated 2026-06-09.

Conditions:
Inborn genetic diseases. Identifiers: MedGen C0950123, MeSH D030342.

Allele frequency attached by ClinVar (database versions not stated): gnomAD 0.00003 and 0.00004; TOPMed 0.00004; ExAC 0.00005; gnomAD exomes 0.00006.
gnomAD v4.1: 91 of 1,613,370 alleles (0.0056%); highest among the groups gnomAD compares: Admixed American, 0.0067%; no homozygotes.

Submissions (3):

Ambry Genetics
Classification: Uncertain significance for Inborn genetic diseases. Last evaluated: 2026-06-09. Review status: criteria provided, single submitter. Criteria: Ambry Variant Classification Scheme 2023. Collection method: clinical testing. Allele origin: germline.
Comment: The p.D363N variant (also known as c.1087G>A), located in coding exon 11 of the CASQ1 gene, results from a G to A substitution at nucleotide position 1087. The aspartic acid at codon 363 is replaced by asparagine, an amino acid with highly similar properties. This amino acid position is conserved. In addition, this alteration is predicted to be tolerated by in silico analysis. Based on the available evidence, the clinical significance of this variant remains unclear.

Labcorp Genetics (formerly Invitae), Labcorp
Classification: Uncertain significance. Last evaluated: 2025-07-10. Review status: criteria provided, single submitter. Criteria: Invitae Variant Classification Sherloc (09022015). Collection method: clinical testing. Allele origin: germline.
Comment: This sequence change replaces aspartic acid, which is acidic and polar, with asparagine, which is neutral and polar, at codon 363 of the CASQ1 protein (p.Asp363Asn). This variant is present in population databases (rs775149115, gnomAD 0.01%). This variant has not been reported in the literature in individuals affected with CASQ1-related conditions. ClinVar contains an entry for this variant (Variation ID: 1440314). An algorithm developed to predict the effect of missense changes on protein structure and function outputs the following: PolyPhen-2: "Benign". The asparagine amino acid residue is found in multiple mammalian species, which suggests that this missense change does not adversely affect protein function. In summary, the available evidence is currently insufficient to determine the role of this variant in disease. Therefore, it has been classified as a Variant of Uncertain Significance.

Blueprint Genetics
Classification: Uncertain significance. Last evaluated: 2024-03-22. Review status: criteria provided, single submitter. Criteria: ACMG Guidelines, 2015. Collection method: clinical testing. Allele origin: germline.